The following is an entry in ClinVar:

ClinVar aggregate classification (germline): Likely pathogenic (1 of 4 stars; one submission).

Submission:

GeneDx
Classification: Likely pathogenic. Last evaluated: 2017-04-11. Review status: criteria provided, single submitter. Criteria: GeneDx Variant Classification (06012015). Collection method: clinical testing. Allele origin: germline. Affected: yes.
Comment: Although the c.3217delC variant in the MYBPC3 gene has not been reported to our knowledge, this deletion causes a shift in reading frame starting at codon Arginine 1072, changing it to a Glycine, and creating a premature stop codon at position 2 of the new reading frame, denoted p.Arg1072GlyfsX2. This variant is expected to result in either an abnormal, truncated protein product or loss of protein from this allele through nonsense-mediated mRNA decay. Other frameshift variants in the MYBPC3 gene have been reported in association with cardiomyopathy. Based on currently available evidence, c.3217delC is a strong candidate for a pathogenic variant. However, the possibility it is a rare benign variant cannot be excluded.

NM_000256.3(MYBPC3):c.3217del (p.Arg1073fs)

Gene: MYBPC3 (myosin binding protein C3; minus strand). Cytogenetic location: 11p11.2.
Variant type: Deletion.
Coding change: c.3217del on transcript NM_000256.3 (MANE Select); coding-DNA position 3217, one base deleted (C; older notation c.3217delC).
Protein change: p.Arg1073fs; shifts the reading frame from arginine 1073.
Molecular consequence: frameshift variant.
Genome position (GRCh38, 1-based): chr11:47,333,307, G deleted on the plus strand (C on the coding strand, the reverse complement: MYBPC3 is on the minus strand); the first of 2 consecutive G bases (chr11:47,333,307-47,333,308); deleting either gives the same sequence. VCF-style (leftmost placement, unchanged base first): chr11-47333306-CG-C. GRCh37 (hg19) VCF-style: chr11-47354857-CG-C.
Other names: c.3217del, p.Arg1073fs (LRG_386t1); c.3217delC (NM_000256.3); short protein forms R1073fs.
Identifiers: ClinVar variation 181095 (VCV000181095.2), dbSNP rs730880668, ClinGen allele CA013676.
Genomic context (GRCh38, chr11:47,333,306, plus strand): 5'-CCGACATCCTGGGGTGGCTTCCACTCCAGAGCCACATTAAGACCCCAGGCGTCAGTCACC[CG>C]GAGATCCTGGGGAGGACTTGGCTTGTCTGCGGGAGACAGACCCAGTTGGGTCACCACGCC-3'